The following is an entry in ClinVar:

NM_004415.4(DSP):c.6007G>A (p.Glu2003Lys)

Gene: DSP (desmoplakin; plus strand). Cytogenetic location: 6p24.3.
Variant type: single nucleotide variant.
Coding change: c.6007G>A on transcript NM_004415.4 (MANE Select); coding-DNA position 6007, G replaced by A.
Protein change: p.Glu2003Lys; replaces glutamic acid 2003 with lysine.
Molecular consequence: missense variant.
Genome position (GRCh38, 1-based): chr6:7,583,269, G>A. VCF-style: chr6-7583269-G-A. GRCh37 (hg19) VCF-style: chr6-7583502-G-A.
Other names: c.4210G>A, p.Glu1404Lys (NM_001008844.3); c.4678G>A, p.Glu1560Lys (NM_001319034.2); short protein forms E1404K, E1560K, E2003K.
Identifiers: ClinVar variation 3761958 (VCV003761958.2).

ClinVar aggregate classification (germline): Uncertain significance (1 of 4 stars; one submission).

Conditions:
Arrhythmogenic cardiomyopathy with wooly hair and keratoderma. Also called: Arrhythmogenic cardiomyopathy with woolly hair and keratoderma; PALMOPLANTAR KERATODERMA WITH LEFT VENTRICULAR CARDIOMYOPATHY AND WOOLLY HAIR; Carvajal syndrome; Dilated cardiomyopathy with woolly hair and keratoderma. Identifiers: Orphanet 65282, MedGen C1854063, MONDO:0011581, OMIM 605676.
Arrhythmogenic right ventricular dysplasia 8 (ARVD8). Also called: Arrhythmogenic Right Ventricular Dysplasia/Cardiomyopathy 8; ARRHYTHMOGENIC RIGHT VENTRICULAR DYSPLASIA, FAMILIAL, 8; ARRHYTHMOGENIC RIGHT VENTRICULAR CARDIOMYOPATHY 8. Identifiers: MedGen C1843896, MONDO:0011831, OMIM 607450.

gnomAD v4.1: 1 of 1,614,246 alleles (0.000062%); no homozygotes.

Submission:

Labcorp Genetics (formerly Invitae), Labcorp
Classification: Uncertain significance for Arrhythmogenic cardiomyopathy with wooly hair and keratoderma; Arrhythmogenic right ventricular dysplasia 8. Last evaluated: 2025-12-13. Review status: criteria provided, single submitter. Criteria: Invitae Variant Classification Sherloc (09022015). Collection method: clinical testing. Allele origin: germline.
Comment: This sequence change replaces glutamic acid, which is acidic and polar, with lysine, which is basic and polar, at codon 2003 of the DSP protein (p.Glu2003Lys). This variant is not present in population databases (gnomAD no frequency). This variant has not been reported in the literature in individuals affected with DSP-related conditions. ClinVar contains an entry for this variant (Variation ID: 3761958). An algorithm developed to predict the effect of missense changes on protein structure and function (PolyPhen-2) suggests that this variant is likely to be disruptive. In summary, the available evidence is currently insufficient to determine the role of this variant in disease. Therefore, it has been classified as a Variant of Uncertain Significance.